The following is an entry in ClinVar:

ClinVar aggregate classification (germline): Uncertain significance. Review status: criteria provided, multiple submitters, no conflicts (2 of 4 stars). 2 submissions from 2 submitters: Uncertain significance (2). Last evaluated 2025-04-10.

Conditions:
Familial adenomatous polyposis 2. Also called: Adenomas, multiple colorectal; MUTYH Polyposis; COLORECTAL ADENOMATOUS POLYPOSIS, AUTOSOMAL RECESSIVE; ADENOMAS, MULTIPLE COLORECTAL, AUTOSOMAL RECESSIVE; MUTYH-associated polyposis; MUTYH-related attenuated familial adenomatous polyposis. Identifiers: Orphanet 220460, Orphanet 247798, MedGen C3272841, MONDO:0012041, OMIM 608456.
Hereditary cancer-predisposing syndrome. Also called: Neoplastic Syndromes, Hereditary; Tumor predisposition; Hereditary Cancer Syndrome; Hereditary neoplastic syndrome. Identifiers: Orphanet 140162, MedGen C0027672, MeSH D009386, MONDO:0015356.

Submissions (2):

Labcorp Genetics (formerly Invitae), Labcorp
Classification: Uncertain significance for Familial adenomatous polyposis 2. Last evaluated: 2025-04-10. Review status: criteria provided, single submitter. Criteria: Invitae Variant Classification Sherloc (09022015). Collection method: clinical testing. Allele origin: germline.
Comment: This variant, c.902_919dup, results in the insertion of 6 amino acid(s) of the MUTYH protein (p.Pro301_Cys306dup), but otherwise preserves the integrity of the reading frame. This variant is not present in population databases (gnomAD no frequency). This variant has not been reported in the literature in individuals affected with MUTYH-related conditions. ClinVar contains an entry for this variant (Variation ID: 939943). Experimental studies and prediction algorithms are not available or were not evaluated, and the functional significance of this variant is currently unknown. In summary, the available evidence is currently insufficient to determine the role of this variant in disease. Therefore, it has been classified as a Variant of Uncertain Significance.

Ambry Genetics
Classification: Uncertain significance for Hereditary cancer-predisposing syndrome. Last evaluated: 2023-03-23. Review status: criteria provided, single submitter. Criteria: Ambry Variant Classification Scheme 2023. Collection method: clinical testing. Allele origin: germline.
Comment: The c.902_919dup18 variant (also known as p.P301_C306dup), located in coding exon 10 of the MUTYH gene, results from an in-frame duplication of 18 nucleotides at nucleotide positions 902 to 919. This results in the duplication of 6 extra residues (PVESLC) between codons 301 and 306. This amino acid region is not well conserved in available vertebrate species. In addition, this alteration is predicted to be deleterious by in silico analysis (Choi Y et al. PLoS ONE. 2012; 7(10):e46688). Since supporting evidence is limited at this time, the clinical significance of this alteration remains unclear.

NM_001048174.2(MUTYH):c.818_835dup (p.Pro273_Cys278dup)

Gene: MUTYH (mutY DNA glycosylase; minus strand). Cytogenetic location: 1p34.1.
Variant type: Duplication.
Coding change: c.818_835dup on transcript NM_001048174.2 (MANE Select); coding-DNA positions 818 to 835, 18 bases duplicated (CTGTGGAGAGCCTGTGCC).
Protein change: p.Pro273_Cys278dup.
Molecular consequence: inframe insertion. On other transcripts: non-coding transcript variant (2).
Genome position (GRCh38, 1-based): chr1:45,332,180-45,332,197, GGCACAGGCTCTCCACAG duplicated on the plus strand (CTGTGGAGAGCCTGTGCC on the coding strand, the reverse complement: MUTYH is on the minus strand); duplicating any 18 consecutive bases within chr1:45,332,180-45,332,202 gives the same sequence; the c. name uses the placement nearest the transcript's 3' end. VCF-style (leftmost placement, unchanged base first): chr1-45332179-C-CGGCACAGGCTCTCCACAG. GRCh37 (hg19) VCF-style: chr1-45797851-C-CGGCACAGGCTCTCCACAG.
Other names: c.818_835dup, p.Pro273_Cys278dup (NM_001048171.2, NM_001048173.2, NM_001293195.2); c.821_838dup, p.Pro274_Cys279dup (NM_001048172.2); c.902_919dup, p.Pro301_Cys306dup (NM_001128425.2); c.863_880dup, p.Pro288_Cys293dup (NM_001293190.2); c.851_868dup, p.Pro284_Cys289dup (NM_001293191.2); c.542_559dup, p.Pro181_Cys186dup (NM_001293192.2, NM_001293196.2); c.473_490dup, p.Pro158_Cys163dup (NM_001350650.2, NM_001350651.2); c.893_910dup, p.Pro298_Cys303dup (NM_012222.3); and 1 more.
Identifiers: ClinVar variation 939943 (VCV000939943.11), dbSNP rs1645020416, ClinGen allele CA1139655518.
Genomic context (GRCh38, chr1:45,332,179, plus strand): 5'-GAGTCACTCCTTAGGACTTCTCACTGCCCCTTCCCCAGTAGGCTTACTCTCTGGCGTGCC[C>CGGCACAGGCTCTCCACAG]GGCACAGGCTCTCCACAGGGCACTGGCTGCACAGTGGGCGCTGTGGGGTACACACTGTGG-3'